The following is an entry in ClinVar:

ClinVar aggregate classification (germline): Likely benign (1 of 4 stars; one submission).

Allele frequency attached by ClinVar (database versions not stated): 1000 Genomes Project 30x 0.00375; 1000 Genomes Project 0.00379; gnomAD 0.00457 and 0.00490; TOPMed 0.00533.
gnomAD v4.1: 663 of 146,274 alleles (0.45%); highest among the groups gnomAD compares: African/African-American, 1.6%; 7 homozygotes.

Submission:

GeneDx
Classification: Likely benign. Last evaluated: 2018-06-14. Review status: criteria provided, single submitter. Criteria: GeneDx Variant Classification (06012015). Collection method: clinical testing. Allele origin: germline. Affected: yes.
Comment: This variant is considered likely benign or benign based on one or more of the following criteria: it is a conservative change, it occurs at a poorly conserved position in the protein, it is predicted to be benign by multiple in silico algorithms, and/or has population frequency not consistent with disease.

NM_001127222.2(CACNA1A):c.5731+159G>T

Gene: CACNA1A (calcium voltage-gated channel subunit alpha1 A; minus strand). Cytogenetic location: 19p13.13.
Variant type: single nucleotide variant.
Coding change: c.5731+159G>T on transcript NM_001127222.2 (MANE Select); 159 bases into the intron after coding-DNA position 5731, G replaced by T.
Molecular consequence: intron variant.
Genome position (GRCh38, 1-based): chr19:13,224,508, C>A on the plus strand (G>T on the coding strand, the complement: CACNA1A is on the minus strand). VCF-style: chr19-13224508-C-A. GRCh37 (hg19) VCF-style: chr19-13335322-C-A.
Other names: c.5734+159G>T (NM_001127221.2); c.5740+159G>T (NM_001174080.2); c.5749+159G>T (NM_000068.4, NM_023035.3).
Identifiers: ClinVar variation 676678 (VCV000676678.1), dbSNP rs377481166, ClinGen allele CA305558890.